The following is an entry in ClinVar:

NM_020949.3(SLC7A14):c.1391G>T (p.Cys464Phe)

Genes: SLC7A14 (solute carrier family 7 member 14; minus strand), SLC7A14-AS1 (SLC7A14 antisense RNA 1; plus strand). Cytogenetic location: 3q26.2.
Variant type: single nucleotide variant.
Coding change: c.1391G>T on transcript NM_020949.3 (MANE Select); coding-DNA position 1391, G replaced by T.
Protein change: p.Cys464Phe; replaces cysteine 464 with phenylalanine.
Molecular consequence: missense variant.
Genome position (GRCh38, 1-based): chr3:170,480,891, C>A on the plus strand (G>T on the coding strand, the complement: SLC7A14 is on the minus strand). VCF-style: chr3-170480891-C-A. GRCh37 (hg19) VCF-style: chr3-170198680-C-A.
Other names: short protein forms C464F.
Identifiers: ClinVar variation 126448 (VCV000126448.18), dbSNP rs79668755, ClinGen allele CA151152.

ClinVar aggregate classification (germline): Conflicting classifications of pathogenicity. Review status: criteria provided, conflicting classifications (1 of 4 stars). 7 submissions from 7 submitters: Uncertain significance (1); Benign (3). 3 of the submissions do not count toward it. Last evaluated 2026-01-05.

Conditions:
SLC7A14-related disorder. Also called: SLC7A14-related condition.
Retinitis pigmentosa 68 (RP68). Identifiers: Orphanet 791, MedGen C3810380, MONDO:0014323, OMIM 615725.
Retinal dystrophy. Also called: Inherited retinal dystrophy. Identifiers: Orphanet 71862, MedGen C0854723, MeSH D058499, MONDO:0019118, HP:0000556.

Allele frequency attached by ClinVar (database versions not stated): TOPMed 0.00065; gnomAD 0.00044; 1000 Genomes Project 30x 0.00250; 1000 Genomes Project 0.00280.
gnomAD v4.1: 682 of 1,614,074 alleles (0.042%); highest among the groups gnomAD compares: East Asian, 1.1%; 7 homozygotes.

Submissions (7):

Labcorp Genetics (formerly Invitae), Labcorp
Classification: Benign. Last evaluated: 2026-01-05. Review status: criteria provided, single submitter. Criteria: Invitae Variant Classification Sherloc (09022015). Collection method: clinical testing. Allele origin: germline.

Dept Of Ophthalmology, Nagoya University
Classification: Benign for Retinal dystrophy. Last evaluated: 2023-10-01. Review status: criteria provided, single submitter. Criteria: Submitter's publication. Collection method: research. Allele origin: germline. Affected: yes.

Department of Pathology and Laboratory Medicine, Sinai Health System
Classification: Uncertain significance for Retinitis pigmentosa 68. Last evaluated: 2023-04-05. Review status: criteria provided, single submitter. Criteria: ACMG Guidelines, 2015. Collection method: research. Allele origin: germline.

Breakthrough Genomics
Classification: Benign. Review status: criteria provided, single submitter. Criteria: ACMG Guidelines, 2015. Collection method: not provided. Allele origin: germline. Inheritance: Autosomal recessive inheritance. Affected: yes.

Reproductive Health Research and Development, BGI Genomics
Classification: Uncertain significance for Retinitis pigmentosa 68. Last evaluated: 2020-01-06. Review status: no assertion criteria provided. Collection method: curation. Allele origin: germline. Not counted in ClinVar's aggregate classification.
Comment: NM_020949.2:c.1391G>T in the SLC7A14 gene has an allele frequency of 0.013 in East Asian subpopulation in the gnomAD database. It has been reported previously in individuals with retinitis pigmentosa, including one homozygous and one compound heterozygote (PMID: 24670872). We interpret it as variant of uncertain significance (VUS). ACMG/AMP criteria applied: PM3, BS1.

PreventionGenetics, part of Exact Sciences
Classification: Likely benign for SLC7A14-related condition. Last evaluated: 2019-07-18. Review status: no assertion criteria provided. Collection method: clinical testing. Allele origin: germline. Not counted in ClinVar's aggregate classification.
Comment: This variant is classified as likely benign based on ACMG/AMP sequence variant interpretation guidelines (Richards et al. 2015 PMID: 25741868, with internal and published modifications).

OMIM
Classification: Pathogenic for RETINITIS PIGMENTOSA 68. Last evaluated: 2014-03-27. Review status: no assertion criteria provided. Collection method: literature only. Allele origin: germline. Not counted in ClinVar's aggregate classification.

Literature cited by the submitters: PubMed 24670872 (cited by OMIM).